The following is an entry in ClinVar:

ClinVar aggregate classification (germline): Pathogenic. Review status: criteria provided, multiple submitters, no conflicts (2 of 4 stars). 5 submissions from 5 submitters: Pathogenic (5). Last evaluated 2026-01-16.

Conditions:
Familial cancer of breast. Also called: Hereditary breast cancer; BREAST CANCER, FAMILIAL; hereditary breast carcinoma. Identifiers: Orphanet 227535, MedGen C0346153, MONDO:0016419, OMIM 114480. Disease mechanism: loss of function.
Hereditary cancer-predisposing syndrome. Also called: Tumor predisposition; Hereditary neoplastic syndrome; Neoplastic Syndromes, Hereditary; Hereditary Cancer Syndrome. Identifiers: Orphanet 140162, MedGen C0027672, MeSH D009386, MONDO:0015356.
ATM-related disorder. Also called: ATM-related disorders; ATM-related condition.
Ataxia-telangiectasia syndrome (AT). Also called: Ataxia-telangiectasia, complementation group D; AT, COMPLEMENTATION GROUP C; ATAXIA-TELANGIECTASIA, COMPLEMENTATION GROUP A; ATAXIA-TELANGIECTASIA, FRESNO VARIANT; Ataxia-telangiectasia; LOUIS-BAR SYNDROME. Identifiers: Orphanet 100, MedGen C0004135, MONDO:0008840, OMIM 208900.

Submissions (5):

Labcorp Genetics (formerly Invitae), Labcorp
Classification: Pathogenic for Ataxia-telangiectasia syndrome. Last evaluated: 2026-01-16. Review status: criteria provided, single submitter. Criteria: Invitae Variant Classification Sherloc (09022015). Collection method: clinical testing. Allele origin: germline.
Comment: This sequence change creates a premature translational stop signal (p.Arg2060Thrfs*28) in the ATM gene. It is expected to result in an absent or disrupted protein product. Loss-of-function variants in ATM are known to be pathogenic (PMID: 23807571, 25614872). This variant is not present in population databases (gnomAD no frequency). This variant has not been reported in the literature in individuals affected with ATM-related conditions. ClinVar contains an entry for this variant (Variation ID: 654478). For these reasons, this variant has been classified as Pathogenic.

Color Diagnostics, LLC DBA Color Health
Classification: Pathogenic for Hereditary cancer-predisposing syndrome. Last evaluated: 2024-07-26. Review status: criteria provided, single submitter. Criteria: ACMG Guidelines, 2015. Collection method: clinical testing. Allele origin: germline.
Comment: This variant inserts 1 nucleotide in exon 42/63 of the ATM gene, creating a frameshift and premature translation stop signal. This variant is expected to result in an absent or non-functional protein product. To our knowledge, this variant has not been reported in individuals affected with ATM-related disorders in the literature. This variant has not been identified in the general population by the Genome Aggregation Database (gnomAD). Loss of ATM function is a known mechanism of disease. Based on the available evidence, this variant is classified as Pathogenic.

Ambry Genetics
Classification: Pathogenic for Hereditary cancer-predisposing syndrome. Last evaluated: 2024-05-08. Review status: criteria provided, single submitter. Criteria: Ambry Variant Classification Scheme 2023. Collection method: clinical testing. Allele origin: germline.
Comment: The c.6177dupA pathogenic mutation, located in coding exon 41 of the ATM gene, results from a duplication of A at nucleotide position 6177, causing a translational frameshift with a predicted alternate stop codon (p.R2060Tfs*28). This alteration is expected to result in loss of function by premature protein truncation or nonsense-mediated mRNA decay. As such, this alteration is interpreted as a disease-causing mutation.

Myriad Genetics, Inc.
Classification: Pathogenic for Familial cancer of breast. Last evaluated: 2024-01-29. Review status: criteria provided, single submitter. Criteria: Myriad Autosomal Dominant, Autosomal Recessive and X-Linked Classification Criteria (2023). Collection method: clinical testing. Allele origin: unknown.
Comment: This variant is considered pathogenic. This variant creates a frameshift predicted to result in premature protein truncation.

PreventionGenetics, part of Exact Sciences
Classification: Pathogenic for ATM-related condition. Last evaluated: 2023-08-21. Review status: criteria provided, single submitter. Criteria: ACMG Guidelines, 2015. Collection method: clinical testing. Allele origin: germline.
Comment: The ATM c.6177dupA variant is predicted to result in a frameshift and premature protein termination (p.Arg2060Thrfs*28). To our knowledge, this variant has not been reported in the literature or in a large population database, indicating this variant is rare. This variant is interpreted as pathogenic in ClinVar. Frameshift variants in ATM are expected to be pathogenic. This variant is interpreted as pathogenic.

Literature cited by the submitters: PubMed 23807571 (cited by Labcorp Genetics (formerly Invitae), Labcorp); PubMed 25614872 (cited by Labcorp Genetics (formerly Invitae), Labcorp).

NM_000051.4(ATM):c.6177dup (p.Arg2060fs)

Genes: ATM (ATM serine/threonine kinase; plus strand), C11orf65 (chromosome 11 open reading frame 65; minus strand). Cytogenetic location: 11q22.3.
Variant type: Duplication.
Coding change: c.6177dup on transcript NM_000051.4 (MANE Select); coding-DNA position 6177, one base duplicated (A; older notation c.6177dupA).
Protein change: p.Arg2060fs; shifts the reading frame from arginine 2060.
Molecular consequence: frameshift variant. On other transcripts: intron variant (2).
Genome position (GRCh38, 1-based): chr11:108,316,092, A duplicated. VCF-style (leftmost placement, unchanged base first): chr11-108316091-C-CA. GRCh37 (hg19) VCF-style: chr11-108186818-C-CA.
Other names: c.6177dup, p.Arg2060fs (NM_001351834.2); c.641-7021dup (NM_001330368.2); c.*39-7021dup (NM_001351110.2); c.6177dupA (NM_000051.3); short protein forms R2060fs.
Identifiers: ClinVar variation 654478 (VCV000654478.14), dbSNP rs1591779373, ClinGen allele CA915947654.